The following is an entry in ClinVar:

NM_002227.4(JAK1):c.3G>C (p.Met1Ile)

Gene: JAK1 (Janus kinase 1; minus strand). Cytogenetic location: 1p31.3.
Variant type: single nucleotide variant.
Coding change: c.3G>C on transcript NM_002227.4 (MANE Select); coding-DNA position 3, G replaced by C.
Protein change: p.Met1Ile; changes the start codon (methionine 1).
Molecular consequence: missense variant, initiator codon variant.
Genome position (GRCh38, 1-based): chr1:64,886,262, C>G on the plus strand (G>C on the coding strand, the complement: JAK1 is on the minus strand). VCF-style: chr1-64886262-C-G. GRCh37 (hg19) VCF-style: chr1-65351945-C-G.
Other names: c.3G>C, p.Met1Ile (NM_001320923.2, NM_001321852.2, NM_001321853.2 and 4 more transcripts); short protein forms M1I.
Identifiers: ClinVar variation 5009599 (VCV005009599.1).

ClinVar aggregate classification (germline): Uncertain significance (1 of 4 stars; one submission).

Submission:

GeneDx
Classification: Uncertain significance. Last evaluated: 2026-02-16. Review status: criteria provided, single submitter. Criteria: GeneDx Variant Classification Process June 2021. Collection method: clinical testing. Allele origin: germline.
Comment: Not observed at significant frequency in large population cohorts (gnomAD); Initiation codon variant predicted to alter the protein; however, a downstream in-frame Methionine residue could serve as an alternate initiator codon; Has not been previously published as pathogenic or benign to our knowledge